The following is an entry in ClinVar:

NM_006361.6(HOXB13):c.451A>G (p.Thr151Ala)

Gene: HOXB13 (homeobox B13; minus strand). Cytogenetic location: 17q21.32.
Variant type: single nucleotide variant.
Coding change: c.451A>G on transcript NM_006361.6 (MANE Select); coding-DNA position 451, A replaced by G.
Protein change: p.Thr151Ala; replaces threonine 151 with alanine.
Molecular consequence: missense variant.
Genome position (GRCh38, 1-based): chr17:48,728,143, T>C on the plus strand (A>G on the coding strand, the complement: HOXB13 is on the minus strand). VCF-style: chr17-48728143-T-C. GRCh37 (hg19) VCF-style: chr17-46805505-T-C.
Other names: short protein forms T151A.
Identifiers: ClinVar variation 3642878 (VCV003642878.2).
Genomic context (GRCh38, chr17:48,728,143, plus strand): 5'-ACTGGTAACTGTCCACAGGCAACAGGGAGTCATGTCGCGGTTCTCCAGGAGCACCCAGAG[T>C]CTGCACCACAGACACGTCCAGGTAACTGGCCATAGGCTGGTAGGTTCCCGGATATCCCGG-3'
Protein context (NP_006352.2, residues 141-161): ASYLDVSVVQ[Thr151Ala]LGAPGEPRHD

ClinVar aggregate classification (germline): Uncertain significance (1 of 4 stars; one submission).

Submission:

Labcorp Genetics (formerly Invitae), Labcorp
Classification: Uncertain significance. Last evaluated: 2024-02-23. Review status: criteria provided, single submitter. Criteria: Invitae Variant Classification Sherloc (09022015). Collection method: clinical testing. Allele origin: germline.
Comment: This sequence change replaces threonine, which is neutral and polar, with alanine, which is neutral and non-polar, at codon 151 of the HOXB13 protein (p.Thr151Ala). This variant is not present in population databases (gnomAD no frequency). This variant has not been reported in the literature in individuals affected with HOXB13-related conditions. Advanced modeling of protein sequence and biophysical properties (such as structural, functional, and spatial information, amino acid conservation, physicochemical variation, residue mobility, and thermodynamic stability) performed at Invitae indicates that this missense variant is not expected to disrupt HOXB13 protein function with a negative predictive value of 80%. In summary, the available evidence is currently insufficient to determine the role of this variant in disease. Therefore, it has been classified as a Variant of Uncertain Significance.